The following is an entry in ClinVar:

ClinVar aggregate classification (germline): Likely benign (1 of 4 stars; one submission).

Allele frequency attached by ClinVar (database versions not stated): 1000 Genomes Project 0.00559; gnomAD 0.00602 and 0.00658; 1000 Genomes Project 30x 0.00656; TOPMed 0.00679.
gnomAD v4.1: 908 of 152,280 alleles (0.6%); highest among the groups gnomAD compares: African/African-American, 2.1%; 12 homozygotes.

Submission:

GeneDx
Classification: Likely benign. Last evaluated: 2018-06-16. Review status: criteria provided, single submitter. Criteria: GeneDx Variant Classification (06012015). Collection method: clinical testing. Allele origin: germline. Affected: yes.
Comment: This variant is considered likely benign or benign based on one or more of the following criteria: it is a conservative change, it occurs at a poorly conserved position in the protein, it is predicted to be benign by multiple in silico algorithms, and/or has population frequency not consistent with disease.

NM_182961.4(SYNE1):c.23791-262A>G

Gene: SYNE1 (spectrin repeat containing nuclear envelope protein 1; minus strand). Cytogenetic location: 6q25.2.
Variant type: single nucleotide variant.
Coding change: c.23791-262A>G on transcript NM_182961.4 (MANE Select); 262 bases into the intron before coding-DNA position 23791, A replaced by G.
Molecular consequence: intron variant.
Genome position (GRCh38, 1-based): chr6:152,156,359, T>C on the plus strand (A>G on the coding strand, the complement: SYNE1 is on the minus strand). VCF-style: chr6-152156359-T-C. GRCh37 (hg19) VCF-style: chr6-152477494-T-C.
Other names: c.23578-262A>G (NM_033071.5); c.397-262A>G (NM_001347701.2); c.256-262A>G (NM_001347702.2).
Identifiers: ClinVar variation 673713 (VCV000673713.1), dbSNP rs73617305, ClinGen allele CA150179471.